The following is an entry in ClinVar:

ClinVar aggregate classification (germline): Likely pathogenic (1 of 4 stars; one submission).

Conditions:
Factor VIII deficiency. Identifiers: MedGen C3494187, OMIM 134500.

Submission:

North West Genomic Laboratory Hub, Manchester University NHS Foundation Trust
Classification: Likely pathogenic for Factor VIII deficiency. Last evaluated: 2024-12-06. Review status: criteria provided, single submitter. Criteria: ACGS Best Practice Guidelines for Variant Classification in Rare Disease 2024. Collection method: clinical testing. Allele origin: germline. Affected: yes.
Comment: PS4_Mod PP4_Mod PM2_Mod PP3_Supp

NM_000132.4(F8):c.569G>A (p.Gly190Asp)

Gene: F8 (coagulation factor VIII; minus strand). Cytogenetic location: Xq28.
Variant type: single nucleotide variant.
Coding change: c.569G>A on transcript NM_000132.4 (MANE Select); coding-DNA position 569, G replaced by A.
Protein change: p.Gly190Asp; replaces glycine 190 with aspartic acid.
Molecular consequence: missense variant.
Genome position (GRCh38, 1-based): chrX:154,992,968, C>T on the plus strand (G>A on the coding strand, the complement: F8 is on the minus strand). VCF-style: chrX-154992968-C-T. GRCh37 (hg19) VCF-style: chrX-154221243-C-T.
Other names: short protein forms G190D.
Identifiers: ClinVar variation 4853811 (VCV004853811.1).